The following is an entry in ClinVar:

ClinVar aggregate classification (germline): Uncertain significance. Review status: reviewed by expert panel (3 of 4 stars). 3 submissions from 3 submitters: Uncertain significance (1). 2 of the submissions do not count toward it. Last evaluated 2024-09-30.

Conditions:
Inborn genetic diseases. Identifiers: MedGen C0950123, MeSH D030342.
Hereditary thrombocytopenia and hematological cancer predisposition syndrome associated with RUNX1. Also called: Familial Platelet Disorder with Propensity to Acute Myelogenous Leukemia; Familial thrombocytopenia with propensity to acute myelogenous leukemia; PLATELET DISORDER, ASPIRIN-LIKE; RUNX1 Familial Platelet Disorder with Associated Myeloid Malignancies. Identifiers: Orphanet 71290, MedGen C1832388, MeSH C563324, MONDO:0100083, OMIM 601399.
Hereditary thrombocytopenia and hematologic cancer predisposition syndrome. Identifiers: Orphanet 71290, MedGen CN281654, MONDO:0011071.

Submissions (3):

ClinGen Myeloid Malignancy Variant Curation Expert Panel
Classification: Uncertain significance for Hereditary thrombocytopenia and hematologic cancer predisposition syndrome. Last evaluated: 2024-09-30. Review status: reviewed by expert panel. Criteria: ClinGen MyeloMalig ACMG Specifications v2. Collection method: curation. Allele origin: germline. Inheritance: Autosomal dominant inheritance.
Comment: NM_001754.5(RUNX1):c.125C>T (p.Pro42Leu) is a missense variant which is completely absent from all population databases with at least 20x coverage for RUNX1 (PM2_Supporting). In summary, the clinical significance of this variant is uncertain. ACMG/AMP criteria applied, as specified by the Myeloid Malignancy Variant Curation Expert Panel for RUNX1: PM2_supporting.

Ambry Genetics
Classification: Uncertain significance for Inborn genetic diseases. Last evaluated: 2025-03-31. Review status: criteria provided, single submitter. Criteria: Ambry Variant Classification Scheme 2023. Collection method: clinical testing. Allele origin: germline. Not counted in ClinVar's aggregate classification.
Comment: The p.P42L variant (also known as c.125C>T), located in coding exon 3 of the RUNX1 gene, results from a C to T substitution at nucleotide position 125. The proline at codon 42 is replaced by leucine, an amino acid with similar properties. This amino acid position is conserved. In addition, this alteration is predicted to be deleterious by in silico analysis. Based on the available evidence, the clinical significance of this variant remains unclear.

Labcorp Genetics (formerly Invitae), Labcorp
Classification: Uncertain significance for Hereditary thrombocytopenia and hematological cancer predisposition syndrome associated with RUNX1. Last evaluated: 2023-10-27. Review status: criteria provided, single submitter. Criteria: Invitae Variant Classification Sherloc (09022015). Collection method: clinical testing. Allele origin: germline. Not counted in ClinVar's aggregate classification.
Comment: This sequence change replaces proline, which is neutral and non-polar, with leucine, which is neutral and non-polar, at codon 42 of the RUNX1 protein (p.Pro42Leu). This variant is not present in population databases (gnomAD no frequency). This variant has not been reported in the literature in individuals affected with RUNX1-related conditions. Advanced modeling of protein sequence and biophysical properties (such as structural, functional, and spatial information, amino acid conservation, physicochemical variation, residue mobility, and thermodynamic stability) has been performed at Invitae for this missense variant, however the output from this modeling did not meet the statistical confidence thresholds required to predict the impact of this variant on RUNX1 protein function. In summary, the available evidence is currently insufficient to determine the role of this variant in disease. Therefore, it has been classified as a Variant of Uncertain Significance.

NM_001754.5(RUNX1):c.125C>T (p.Pro42Leu)

Gene: RUNX1 (RUNX family transcription factor 1; minus strand). Cytogenetic location: 21q22.12.
Variant type: single nucleotide variant.
Coding change: c.125C>T on transcript NM_001754.5 (MANE Select); coding-DNA position 125, C replaced by T.
Protein change: p.Pro42Leu; replaces proline 42 with leucine.
Molecular consequence: missense variant.
Genome position (GRCh38, 1-based): chr21:34,887,069, G>A on the plus strand (C>T on the coding strand, the complement: RUNX1 is on the minus strand). VCF-style: chr21-34887069-G-A. GRCh37 (hg19) VCF-style: chr21-36259366-G-A.
Other names: NM_001754.5(RUNX1):c.125C>T; p.Pro42Leu; c.44C>T, p.Pro15Leu (NM_001001890.3, NM_001122607.2); short protein forms P15L, P42L.
Identifiers: ClinVar variation 2713530 (VCV002713530.6), dbSNP rs2146414125, ClinGen allele CA410204236.
Genomic context (GRCh38, chr21:34,887,069, plus strand): 5'-TCCGGGGCGCCCAGCGGCAACGCCTCGCTCATCTTGCCTGGGCTCAGCGCGGTGGAAGGC[G>A]GCGTGAAGCGGCGGCTCGTGCTGGCATCTACGGGGATACGCATCACAACAAGCCGATTGA-3'
Protein context (NP_001745.2, residues 32-52): HDASTSRRFT[Pro42Leu]PSTALSPGKM